The following is an entry in ClinVar:

ClinVar aggregate classification (germline): Uncertain significance (1 of 4 stars; one submission).

Submission:

ARUP Laboratories, Molecular Genetics and Genomics, ARUP Laboratories
Classification: Uncertain significance. Last evaluated: 2020-01-16. Review status: criteria provided, single submitter. Criteria: ARUP Molecular Germline Variant Investigation Process. Collection method: clinical testing. Allele origin: germline.
Comment: The DMD c.4321C>A; p.Leu1441Met variant, to our knowledge, is not reported in the medical literature or gene specific databases. This variant is also absent from general population databases (Exome Variant Server, Genome Aggregation Database), indicating it is not a common polymorphism. The leucine at codon 1441 is highly conserved, but computational analyses (SIFT, PolyPhen-2) predict that this variant is tolerated. Due to limited information, the clinical significance of the p.Leu1441Met variant is uncertain at this time.

NM_004006.3(DMD):c.4321C>A (p.Leu1441Met)

Gene: DMD (dystrophin; minus strand). Cytogenetic location: Xp21.1.
Variant type: single nucleotide variant.
Coding change: c.4321C>A on transcript NM_004006.3 (MANE Select); coding-DNA position 4321, C replaced by A.
Protein change: p.Leu1441Met; replaces leucine 1441 with methionine.
Molecular consequence: missense variant.
Genome position (GRCh38, 1-based): chrX:32,390,094, G>T on the plus strand (C>A on the coding strand, the complement: DMD is on the minus strand). VCF-style: chrX-32390094-G-T. GRCh37 (hg19) VCF-style: chrX-32408211-G-T.
Other names: c.4297C>A, p.Leu1433Met (NM_000109.4); c.4309C>A, p.Leu1437Met (NM_004009.3); c.3952C>A, p.Leu1318Met (NM_004010.3); c.298C>A, p.Leu100Met (NM_004011.4); c.289C>A, p.Leu97Met (NM_004012.4); short protein forms L100M, L1318M, L1433M, L1437M, L1441M, L97M.
Identifiers: ClinVar variation 994033 (VCV000994033.8), dbSNP rs2097990662, ClinGen allele CA412663952.